The following is an entry in ClinVar:

NM_001372.4(DNAH9):c.5561T>G (p.Ile1854Ser)

Gene: DNAH9 (dynein axonemal heavy chain 9; plus strand). Cytogenetic location: 17p12.
Variant type: single nucleotide variant.
Coding change: c.5561T>G on transcript NM_001372.4 (MANE Select); coding-DNA position 5561, T replaced by G.
Protein change: p.Ile1854Ser; replaces isoleucine 1854 with serine.
Molecular consequence: missense variant.
Genome position (GRCh38, 1-based): chr17:11,719,342, T>G. VCF-style: chr17-11719342-T-G. GRCh37 (hg19) VCF-style: chr17-11622659-T-G.
Other names: c.5561T>G (NM_001372.3); short protein forms I1854S.
Identifiers: ClinVar variation 1388487 (VCV001388487.28), dbSNP rs148417462, ClinGen allele CA8396043.

ClinVar aggregate classification (germline): Uncertain significance. Review status: criteria provided, multiple submitters, no conflicts (2 of 4 stars). 3 submissions from 3 submitters: Uncertain significance (3). Last evaluated 2025-05-28.

Conditions:
Inborn genetic diseases. Identifiers: MedGen C0950123, MeSH D030342.

Allele frequency attached by ClinVar (database versions not stated): gnomAD exomes 0.00005 and 0.00004; TOPMed 0.00005; ESP Exome Variant Server 0.00008; gnomAD 0.00004; ExAC 0.00005.
gnomAD v4.1: 63 of 1,613,748 alleles (0.0039%); highest among the groups gnomAD compares: Non-Finnish European, 0.0052%; no homozygotes.

Submissions (3):

Ambry Genetics
Classification: Uncertain significance for Inborn genetic diseases. Last evaluated: 2025-05-28. Review status: criteria provided, single submitter. Criteria: Ambry Variant Classification Scheme 2023. Collection method: clinical testing. Allele origin: germline.

Labcorp Genetics (formerly Invitae), Labcorp
Classification: Uncertain significance. Last evaluated: 2024-10-10. Review status: criteria provided, single submitter. Criteria: Invitae Variant Classification Sherloc (09022015). Collection method: clinical testing. Allele origin: germline.
Comment: This sequence change replaces isoleucine, which is neutral and non-polar, with serine, which is neutral and polar, at codon 1854 of the DNAH9 protein (p.Ile1854Ser). This variant is present in population databases (rs148417462, gnomAD 0.01%). This variant has not been reported in the literature in individuals affected with DNAH9-related conditions. ClinVar contains an entry for this variant (Variation ID: 1388487). Invitae Evidence Modeling of protein sequence and biophysical properties (such as structural, functional, and spatial information, amino acid conservation, physicochemical variation, residue mobility, and thermodynamic stability) indicates that this missense variant is expected to disrupt DNAH9 protein function with a positive predictive value of 80%. In summary, the available evidence is currently insufficient to determine the role of this variant in disease. Therefore, it has been classified as a Variant of Uncertain Significance.

CeGaT Center for Human Genetics Tuebingen
Classification: Uncertain significance. Last evaluated: 2024-01-01. Review status: criteria provided, single submitter. Criteria: CeGaT Center For Human Genetics Tuebingen Variant Classification Criteria Version 2. Collection method: clinical testing. Allele origin: germline. Affected: yes. Observed: 1 variant allele.
Comment: DNAH9: PM2